The following is an entry in ClinVar:

NM_018975.4(TERF2IP):c.944T>C (p.Ile315Thr)

Gene: TERF2IP (TERF2 interacting protein; plus strand). Cytogenetic location: 16q23.1.
Variant type: single nucleotide variant.
Coding change: c.944T>C on transcript NM_018975.4 (MANE Select); coding-DNA position 944, T replaced by C.
Protein change: p.Ile315Thr; replaces isoleucine 315 with threonine.
Molecular consequence: missense variant. On other transcripts: non-coding transcript variant (1).
Genome position (GRCh38, 1-based): chr16:75,656,355, T>C. VCF-style: chr16-75656355-T-C. GRCh37 (hg19) VCF-style: chr16-75690253-T-C.
Other names: short protein forms I315T.
Identifiers: ClinVar variation 1766995 (VCV001766995.4), dbSNP rs1288493173, ClinGen allele CA396819927.

ClinVar aggregate classification (germline): Uncertain significance. Review status: criteria provided, multiple submitters, no conflicts (2 of 4 stars). 2 submissions from 2 submitters: Uncertain significance (2). Last evaluated 2024-11-05.

Allele frequency attached by ClinVar (database versions not stated): gnomAD exomes below 0.00001.
gnomAD v4.1: 4 of 1,614,056 alleles (0.00025%); highest among the groups gnomAD compares: Non-Finnish European, 0.00034%; no homozygotes.

Submissions (2):

Labcorp Genetics (formerly Invitae), Labcorp
Classification: Uncertain significance. Last evaluated: 2024-11-05. Review status: criteria provided, single submitter. Criteria: Invitae Variant Classification Sherloc (09022015). Collection method: clinical testing. Allele origin: germline.
Comment: This sequence change replaces isoleucine, which is neutral and non-polar, with threonine, which is neutral and polar, at codon 315 of the TERF2IP protein (p.Ile315Thr). This variant is present in population databases (no rsID available, gnomAD 0.0009%). This variant has not been reported in the literature in individuals affected with TERF2IP-related conditions. ClinVar contains an entry for this variant (Variation ID: 1766995). An algorithm developed to predict the effect of missense changes on protein structure and function (PolyPhen-2) suggests that this variant is likely to be tolerated. In summary, the available evidence is currently insufficient to determine the role of this variant in disease. Therefore, it has been classified as a Variant of Uncertain Significance.

Ambry Genetics
Classification: Uncertain significance. Last evaluated: 2021-12-14. Review status: criteria provided, single submitter. Criteria: Ambry Variant Classification Scheme 2023. Collection method: clinical testing. Allele origin: germline.
Comment: The p.I315T variant (also known as c.944T>C), located in coding exon 3 of the TERF2IP gene, results from a T to C substitution at nucleotide position 944. The isoleucine at codon 315 is replaced by threonine, an amino acid with similar properties. This amino acid position is conserved. In addition, this alteration is predicted to be tolerated by in silico analysis. Since supporting evidence is limited at this time, the clinical significance of this alteration remains unclear.